The following is an entry in ClinVar:

NM_030773.4(TUBB1):c.520A>C (p.Lys174Gln)

Gene: TUBB1 (tubulin beta 1 class VI; plus strand). Cytogenetic location: 20q13.32.
Variant type: single nucleotide variant.
Coding change: c.520A>C on transcript NM_030773.4 (MANE Select); coding-DNA position 520, A replaced by C.
Protein change: p.Lys174Gln; replaces lysine 174 with glutamine.
Molecular consequence: missense variant.
Genome position (GRCh38, 1-based): chr20:59,023,947, A>C. VCF-style: chr20-59023947-A-C. GRCh37 (hg19) VCF-style: chr20-57599002-A-C.
Other names: short protein forms K174Q.
Identifiers: ClinVar variation 3184755 (VCV003184755.4), dbSNP rs765440300, ClinGen allele CA9928520.

ClinVar aggregate classification (germline): Uncertain significance. Review status: criteria provided, multiple submitters, no conflicts (2 of 4 stars). 3 submissions from 3 submitters: Uncertain significance (3). Last evaluated 2025-10-05.

Conditions:
Macrothrombocytopenia, isolated, 1, autosomal dominant (MACTHC1). Also called: Autosomal dominant macrothrombocytopenia TUBB1-related. Identifiers: Orphanet 140957, MedGen C5676892, MONDO:0800047, OMIM 613112.
Inborn genetic diseases. Identifiers: MedGen C0950123, MeSH D030342.

Allele frequency attached by ClinVar (database versions not stated): TOPMed 0.00002; gnomAD exomes 0.00001; ExAC 0.00001.
gnomAD v4.1: 6 of 1,614,196 alleles (0.00037%); highest among the groups gnomAD compares: Admixed American, 0.01%; no homozygotes.

Submissions (3):

Labcorp Genetics (formerly Invitae), Labcorp
Classification: Uncertain significance. Last evaluated: 2025-10-05. Review status: criteria provided, single submitter. Criteria: Invitae Variant Classification Sherloc (09022015). Collection method: clinical testing. Allele origin: germline.
Comment: This sequence change replaces lysine, which is basic and polar, with glutamine, which is neutral and polar, at codon 174 of the TUBB1 protein (p.Lys174Gln). This variant is present in population databases (rs765440300, gnomAD 0.009%). This variant has not been reported in the literature in individuals affected with TUBB1-related conditions. ClinVar contains an entry for this variant (Variation ID: 3184755). Invitae Evidence Modeling of protein sequence and biophysical properties (such as structural, functional, and spatial information, amino acid conservation, physicochemical variation, residue mobility, and thermodynamic stability) has been performed for this missense variant. However, the output from this modeling did not meet the statistical confidence thresholds required to predict the impact of this variant on TUBB1 protein function. In summary, the available evidence is currently insufficient to determine the role of this variant in disease. Therefore, it has been classified as a Variant of Uncertain Significance.

Fulgent Genetics
Classification: Uncertain significance for Macrothrombocytopenia, isolated, 1, autosomal dominant. Last evaluated: 2024-05-23. Review status: criteria provided, single submitter. Criteria: ACMG Guidelines, 2015. Collection method: clinical testing. Allele origin: germline.

Ambry Genetics
Classification: Uncertain significance for Inborn genetic diseases. Last evaluated: 2022-04-13. Review status: criteria provided, single submitter. Criteria: Ambry Variant Classification Scheme 2023. Collection method: clinical testing. Allele origin: germline.